The following is an entry in ClinVar:

ClinVar aggregate classification (germline): Likely pathogenic (1 of 4 stars; one submission).

Conditions:
Dilated cardiomyopathy 1G (CMD1G). Identifiers: Orphanet 154, MedGen C1858763, MONDO:0011400, OMIM 604145.
Autosomal recessive limb-girdle muscular dystrophy type 2J (LGMDR10). Also called: Limb-girdle muscular dystrophy, type 2J; MUSCULAR DYSTROPHY, LIMB-GIRDLE, AUTOSOMAL RECESSIVE 10. Identifiers: Orphanet 140922, MedGen C1837342, MONDO:0012127, OMIM 608807.

Submission:

Labcorp Genetics (formerly Invitae), Labcorp
Classification: Likely pathogenic for Dilated cardiomyopathy 1G; Autosomal recessive limb-girdle muscular dystrophy type 2J. Last evaluated: 2024-10-12. Review status: criteria provided, single submitter. Criteria: Invitae Variant Classification Sherloc (09022015). Collection method: clinical testing. Allele origin: germline.
Comment: This sequence change creates a premature translational stop signal (p.Tyr977*) in the TTN gene. While this is not anticipated to result in nonsense mediated decay, it is expected to create a truncated TTN protein. This variant is not present in population databases (gnomAD no frequency). This variant has not been observed in the literature in individuals with autosomal recessive TTN-related conditions. This variant has been reported in individual(s) with autosomal dominant dilated cardiomyopathy (internal data); however, the role of the variant in this condition is currently unclear. This variant is located in the Z band of TTN (PMID: 25589632). Truncating variants in this region have been reported in individuals affected with autosomal recessive centronuclear myopathy (PMID: 33449170, internal data). Truncating variants in this region have also been identified in individuals affected with autosomal dominant dilated cardiomyopathy and/or cardio-related conditions (PMID: 27869827, 32964742, internal data). In summary, the currently available evidence indicates that the variant is pathogenic, but additional data are needed to prove that conclusively. Therefore, this variant has been classified as Likely Pathogenic.

Literature cited by the submitters: PubMed 25589632; PubMed 33449170; PubMed 27869827; PubMed 32964742.

NM_001267550.2(TTN):c.2931C>G (p.Tyr977Ter)

Gene: TTN (titin; minus strand). Cytogenetic location: 2q31.2.
Variant type: single nucleotide variant.
Coding change: c.2931C>G on transcript NM_001267550.2 (MANE Select); coding-DNA position 2931, C replaced by G.
Protein change: p.Tyr977Ter; replaces tyrosine 977 with a stop codon.
Molecular consequence: nonsense.
Genome position (GRCh38, 1-based): chr2:178,782,975, G>C on the plus strand (C>G on the coding strand, the complement: TTN is on the minus strand). VCF-style: chr2-178782975-G-C. GRCh37 (hg19) VCF-style: chr2-179647702-G-C.
Other names: c.2931C>G, p.Tyr977Ter (NM_001256850.1, NM_133378.4, NM_133379.5); c.2793C>G, p.Tyr931Ter (NM_003319.4, NM_133432.3, NM_133437.4); short protein forms Y931*, Y977*.
Identifiers: ClinVar variation 3759442 (VCV003759442.2).